The following is an entry in ClinVar:

ClinVar aggregate classification (germline): Pathogenic (1 of 4 stars; one submission).

Conditions:
Schimke immuno-osseous dysplasia (SIOD). Also called: Schimke Immunoosseous Dysplasia. Identifiers: Orphanet 1830, MedGen C0877024, MONDO:0009458, OMIM 242900.

Submission:

Labcorp Genetics (formerly Invitae), Labcorp
Classification: Pathogenic for Schimke immuno-osseous dysplasia. Last evaluated: 2022-05-15. Review status: criteria provided, single submitter. Criteria: Invitae Variant Classification Sherloc (09022015). Collection method: clinical testing. Allele origin: germline.
Comment: This variant has not been reported in the literature in individuals affected with SMARCAL1-related conditions. For these reasons, this variant has been classified as Pathogenic. This variant is not present in population databases (gnomAD no frequency). This sequence change creates a premature translational stop signal (p.Lys537Asnfs*3) in the SMARCAL1 gene. It is expected to result in an absent or disrupted protein product. Loss-of-function variants in SMARCAL1 are known to be pathogenic (PMID: 11799392, 20301550).

Literature cited by the submitters: PubMed 11799392; PubMed 20301550.

NM_014140.4(SMARCAL1):c.1611del (p.Lys537fs)

Gene: SMARCAL1 (SNF2 related chromatin remodeling annealing helicase 1; plus strand). Cytogenetic location: 2q35.
Variant type: Deletion.
Coding change: c.1611del on transcript NM_014140.4 (MANE Select); coding-DNA position 1611, one base deleted (A; older notation c.1611delA).
Protein change: p.Lys537fs; shifts the reading frame from lysine 537.
Molecular consequence: frameshift variant.
Genome position (GRCh38, 1-based): chr2:216,435,463, A deleted; the last of 5 consecutive A bases (chr2:216,435,459-216,435,463); deleting any one gives the same sequence. VCF-style (leftmost placement, unchanged base first): chr2-216435458-GA-G. GRCh37 (hg19) VCF-style: chr2-217300181-GA-G.
Other names: c.1611del, p.Lys537fs (NM_001127207.2); short protein forms K537fs.
Identifiers: ClinVar variation 1930758 (VCV001930758.5), dbSNP rs2469000555, ClinGen allele CA1139771509.
Genomic context (GRCh38, chr2:216,435,458, plus strand): 5'-AAGGACCGCCTGACAGCTGGCCTGATCAACATTGTCAGCTTTGACCTTCTTAGCAAGTTG[GA>G]AAAACAGCTAAAAACCCCTTTTAAAGTTGTCATCATTGTAAGAAACTTGGCAAAGTCTTT-3'